The following is an entry in ClinVar:

NM_015450.3(POT1):c.31T>C (p.Tyr11His)

Gene: POT1 (protection of telomeres 1; minus strand). Cytogenetic location: 7q31.33.
Variant type: single nucleotide variant.
Coding change: c.31T>C on transcript NM_015450.3 (MANE Select); coding-DNA position 31, T replaced by C.
Protein change: p.Tyr11His; replaces tyrosine 11 with histidine.
Molecular consequence: missense variant. On other transcripts: 5 prime UTR variant (1), non-coding transcript variant (3).
Genome position (GRCh38, 1-based): chr7:124,892,359, A>G on the plus strand (T>C on the coding strand, the complement: POT1 is on the minus strand). VCF-style: chr7-124892359-A-G. GRCh37 (hg19) VCF-style: chr7-124532413-A-G.
Other names: c.-232T>C (NM_001042594.2); short protein forms Y11H.
Identifiers: ClinVar variation 823163 (VCV000823163.6), dbSNP rs1584792034, ClinGen allele CA369066260.

ClinVar aggregate classification (germline): Uncertain significance. Review status: criteria provided, multiple submitters, no conflicts (2 of 4 stars). 2 submissions from 2 submitters: Uncertain significance (2). Last evaluated 2025-09-28.

Conditions:
Hereditary cancer-predisposing syndrome. Also called: Tumor predisposition; Hereditary Cancer Syndrome; Hereditary neoplastic syndrome; Neoplastic Syndromes, Hereditary. Identifiers: Orphanet 140162, MedGen C0027672, MeSH D009386, MONDO:0015356.
Tumor predisposition syndrome 3 (TPDS3). Also called: Glioma susceptibility 9; LONG TELOMERE SYNDROME, POT1-RELATED; POT1 Tumor Predisposition; Melanoma, cutaneous malignant, susceptibility to, 10. Identifiers: Orphanet 618, MedGen C4014476, MONDO:0014368, OMIM 615848.

Allele frequency attached by ClinVar (database versions not stated): gnomAD 0.00001.
gnomAD v4.1: 1 of 1,483,588 alleles (0.000067%); highest among the groups gnomAD compares: African/African-American, 0.0015%; no homozygotes.

Submissions (2):

Labcorp Genetics (formerly Invitae), Labcorp
Classification: Uncertain significance for Tumor predisposition syndrome 3. Last evaluated: 2025-09-28. Review status: criteria provided, single submitter. Criteria: Invitae Variant Classification Sherloc (09022015). Collection method: clinical testing. Allele origin: germline.
Comment: This sequence change replaces tyrosine, which is neutral and polar, with histidine, which is basic and polar, at codon 11 of the POT1 protein (p.Tyr11His). This variant is not present in population databases (gnomAD no frequency). This variant has not been reported in the literature in individuals affected with POT1-related conditions. ClinVar contains an entry for this variant (Variation ID: 823163). Invitae Evidence Modeling of protein sequence and biophysical properties (such as structural, functional, and spatial information, amino acid conservation, physicochemical variation, residue mobility, and thermodynamic stability) indicates that this missense variant is not expected to disrupt POT1 protein function with a negative predictive value of 80%. In summary, the available evidence is currently insufficient to determine the role of this variant in disease. Therefore, it has been classified as a Variant of Uncertain Significance.

Ambry Genetics
Classification: Uncertain significance for Hereditary cancer-predisposing syndrome. Last evaluated: 2019-01-17. Review status: criteria provided, single submitter. Criteria: Ambry Variant Classification Scheme 2023. Collection method: clinical testing. Allele origin: germline.
Comment: The p.Y11H variant (also known as c.31T>C), located in coding exon 2 of the POT1 gene, results from a T to C substitution at nucleotide position 31. The tyrosine at codon 11 is replaced by histidine, an amino acid with similar properties. This amino acid position is highly conserved in available vertebrate species. In addition, this alteration is predicted to be deleterious by in silico analysis. Since supporting evidence is limited at this time, the clinical significance of this alteration remains unclear.